The following is an entry in ClinVar:

NM_000489.6(ATRX):c.158del (p.Asn53fs)

Gene: ATRX (ATRX chromatin remodeler; minus strand). Cytogenetic location: Xq21.1.
Variant type: Deletion.
Coding change: c.158del on transcript NM_000489.6 (MANE Select); coding-DNA position 158, one base deleted (A; older notation c.158delA).
Protein change: p.Asn53fs; shifts the reading frame from asparagine 53.
Molecular consequence: frameshift variant.
Genome position (GRCh38, 1-based): chrX:77,698,605, T deleted on the plus strand (A on the coding strand, the reverse complement: ATRX is on the minus strand); the first of 2 consecutive T bases (chrX:77,698,605-77,698,606); deleting either gives the same sequence. VCF-style (leftmost placement, unchanged base first): chrX-77698604-GT-G. GRCh37 (hg19) VCF-style: chrX-76954092-GT-G.
Other names: c.158del, p.Asn53fs (NM_138270.5); short protein forms N53fs.
Identifiers: ClinVar variation 1072204 (VCV001072204.7), dbSNP rs2148685852, ClinGen allele CA2499226873.

ClinVar aggregate classification (germline): Pathogenic (1 of 4 stars; one submission).

Conditions:
Alpha thalassemia-X-linked intellectual disability syndrome (ATRX). Also called: ALPHA-THALASSEMIA/MENTAL RETARDATION SYNDROME, X-LINKED; ATR, NONDELETION TYPE; ATR-X syndrome; Alpha thalassemia mental retardation syndrome, nondeletion type, X-linked; XLMR hypotonic face syndrome; X-linked alpha-thalassemia-mental retardation syndrome. Identifiers: Orphanet 847, MedGen C1845055, MONDO:0010519, OMIM 301040.

Submission:

Labcorp Genetics (formerly Invitae), Labcorp
Classification: Pathogenic for Alpha thalassemia-X-linked intellectual disability syndrome. Last evaluated: 2022-03-19. Review status: criteria provided, single submitter. Criteria: Invitae Variant Classification Sherloc (09022015). Collection method: clinical testing. Allele origin: germline.
Comment: For these reasons, this variant has been classified as Pathogenic. ClinVar contains an entry for this variant (Variation ID: 1072204). This variant has not been reported in the literature in individuals affected with ATRX-related conditions. This variant is not present in population databases (gnomAD no frequency). This sequence change creates a premature translational stop signal (p.Asn53Thrfs*4) in the ATRX gene. It is expected to result in an absent or disrupted protein product. Loss-of-function variants in ATRX are known to be pathogenic (PMID: 15591283, 18409179, 23681356).

Literature cited by the submitters: PubMed 15591283; PubMed 18409179; PubMed 23681356.